The following is an entry in ClinVar:

ClinVar aggregate classification (germline): Uncertain significance. Review status: criteria provided, multiple submitters, no conflicts (2 of 4 stars). 2 submissions from 2 submitters: Uncertain significance (2). Last evaluated 2026-01-18.

Conditions:
NPHP4-related disorder. Also called: NPHP4-related disorders; NPHP4-related condition. Identifiers: MedGen CN239384.
Nephronophthisis. Also called: Juvenile Nephronophthisis. Identifiers: Orphanet 655, MedGen C0687120, MONDO:0019005, HP:0000090.

Allele frequency attached by ClinVar (database versions not stated): gnomAD exomes 0.00001; gnomAD 0.00002; TOPMed 0.00002; ExAC 0.00004; ESP Exome Variant Server 0.00008; 1000 Genomes Project 30x 0.00016; 1000 Genomes Project 0.00020.
gnomAD v4.1: 13 of 1,609,180 alleles (0.00081%); highest among the groups gnomAD compares: African/African-American, 0.004%; no homozygotes.

Submissions (2):

Labcorp Genetics (formerly Invitae), Labcorp
Classification: Uncertain significance for Nephronophthisis. Last evaluated: 2026-01-18. Review status: criteria provided, single submitter. Criteria: Invitae Variant Classification Sherloc (09022015). Collection method: clinical testing. Allele origin: germline.
Comment: This sequence change replaces glycine, which is neutral and non-polar, with serine, which is neutral and polar, at codon 545 of the NPHP4 protein (p.Gly545Ser). The frequency data for this variant in the population databases is considered unreliable, as metrics indicate poor data quality at this position in the gnomAD database. This variant has not been reported in the literature in individuals affected with NPHP4-related conditions. ClinVar contains an entry for this variant (Variation ID: 1984355). Invitae Evidence Modeling of protein sequence and biophysical properties (such as structural, functional, and spatial information, amino acid conservation, physicochemical variation, residue mobility, and thermodynamic stability) indicates that this missense variant is not expected to disrupt NPHP4 protein function with a negative predictive value of 80%. In summary, the available evidence is currently insufficient to determine the role of this variant in disease. Therefore, it has been classified as a Variant of Uncertain Significance.

PreventionGenetics, part of Exact Sciences
Classification: Uncertain significance for NPHP4-related condition. Last evaluated: 2025-11-19. Review status: criteria provided, single submitter. Criteria: ACMG Guidelines, 2015. Collection method: clinical testing. Allele origin: germline.
Comment: The NPHP4 c.1633G>A variant is predicted to result in the amino acid substitution p.Gly545Ser. To our knowledge, this variant has not been reported in the literature. This variant is present in 0.0034% of alleles in individuals of South Asian descent in gnomAD. At this time, the clinical significance of this variant is uncertain due to the absence of conclusive functional and genetic evidence.

NM_015102.5(NPHP4):c.1633G>A (p.Gly545Ser)

Gene: NPHP4 (nephrocystin 4; minus strand). Cytogenetic location: 1p36.31.
Variant type: single nucleotide variant.
Coding change: c.1633G>A on transcript NM_015102.5 (MANE Select); coding-DNA position 1633, G replaced by A.
Protein change: p.Gly545Ser; replaces glycine 545 with serine.
Molecular consequence: missense variant. On other transcripts: non-coding transcript variant (1).
Genome position (GRCh38, 1-based): chr1:5,905,762, C>T on the plus strand (G>A on the coding strand, the complement: NPHP4 is on the minus strand). VCF-style: chr1-5905762-C-T. GRCh37 (hg19) VCF-style: chr1-5965822-C-T.
Other names: c.94G>A, p.Gly32Ser (NM_001291593.2); c.97G>A, p.Gly33Ser (NM_001291594.2); c.1633G>A (NM_015102.4); short protein forms G33S, G32S, G545S.
Identifiers: ClinVar variation 1984355 (VCV001984355.5), dbSNP rs376353686, ClinGen allele CA554418.